The following is an entry in ClinVar:

ClinVar aggregate classification (germline): Pathogenic/Likely pathogenic. Review status: criteria provided, multiple submitters, no conflicts (2 of 4 stars). 8 submissions from 8 submitters: Pathogenic (5); Likely pathogenic (2). 1 of the submissions does not count toward it. Last evaluated 2025-10-23.

Conditions:
PIEZO2-related disorder. Also called: PIEZO2-related condition; PIEZO2-related disorders.
Inborn genetic diseases. Identifiers: MedGen C0950123, MeSH D030342.
Arthrogryposis, distal, with impaired proprioception and touch (DAIPT). Identifiers: MedGen C4310692, MONDO:0014941, OMIM 617146.

Allele frequency attached by ClinVar (database versions not stated): gnomAD 0.00001.

Submissions (8):

Ambry Genetics
Classification: Pathogenic for Inborn genetic diseases. Last evaluated: 2025-10-23. Review status: criteria provided, single submitter. Criteria: Ambry Variant Classification Scheme 2023. Collection method: clinical testing. Allele origin: germline.
Comment: The c.5053C>T (p.R1685*) alteration, located in exon 35 (coding exon 35) of the PIEZO2 gene, consists of a C to T substitution at nucleotide position 5053. This changes the amino acid from an arginine (R) to a stop codon at amino acid position 1685. This alteration is expected to result in loss of function by premature protein truncation or nonsense-mediated mRNA decay. for autosomal recessive PIEZO2-related distal arthrogryposis; however, it is unlikely to be causative of autosomal dominant PIEZO2-related distal arthrogryposis. The Genome Aggregation Database (gnomAD) data for this variant is unreliable due to technical and/or biological issues; therefore, population frequency estimates were not considered. This variant has been identified in the homozygous state and/or in conjunction with other PIEZO2 variant(s) in individual(s) with features consistent with autosomal recessive PIEZO2-related distal arthrogryposis; in at least one instance, the variants were identified in trans (Chesler, 2016; Thorpe, 2024). In an assay testing PIEZO2 function, this variant showed a functionally abnormal result (Chesler, 2016). Based on the available evidence, this alteration is classified as pathogenic.

Women's Health and Genetics/Laboratory Corporation of America, LabCorp
Classification: Pathogenic for PIEZO2-Related Disorders. Last evaluated: 2024-01-29. Review status: criteria provided, single submitter. Criteria: LabCorp Variant Classification Summary - May 2015. Collection method: clinical testing. Allele origin: germline.
Comment: Variant summary: PIEZO2 c.5053C>T (p.Arg1685X) results in a premature termination codon, predicted to cause absence of the protein due to nonsense mediated decay, which is a commonly known mechanism for disease. The frequency data for this variant in gnomAD is considered unreliable, as metrics indicate poor data quality at this position. c.5053C>T has been reported in the literature in two unrelated individuals affected with skeletal malformations, hypotonia, and impaired proprioception who were compound heterozygous with other pathogenic variants (Chesler_2016). This publication reports experimental evidence evaluating an impact on protein function, finding a loss of channel current in cells transfected with the variant protein. The following publication has been ascertained in the context of this evaluation (PMID: 27653382). ClinVar contains an entry for this variant (Variation ID: 265867). Based on the evidence outlined above, the variant was classified as pathogenic.

Labcorp Genetics (formerly Invitae), Labcorp
Classification: Pathogenic. Last evaluated: 2022-06-16. Review status: criteria provided, single submitter. Criteria: Invitae Variant Classification Sherloc (09022015). Collection method: clinical testing. Allele origin: germline.
Comment: For these reasons, this variant has been classified as Pathogenic. Algorithms developed to predict the effect of sequence changes on RNA splicing suggest that this variant may disrupt the consensus splice site. ClinVar contains an entry for this variant (Variation ID: 265867). This premature translational stop signal has been observed in individuals with clinical features of autosomal recessive distal arthrogryposis (PMID: 27653382). This variant is not present in population databases (gnomAD no frequency). This sequence change creates a premature translational stop signal (p.Arg1685*) in the PIEZO2 gene. It is expected to result in an absent or disrupted protein product. Loss-of-function variants in PIEZO2 are known to be pathogenic (PMID: 27653382, 27843126).

Illumina Laboratory Services, Illumina
Classification: Pathogenic for Arthrogryposis, distal, with impaired proprioception and touch. Last evaluated: 2020-07-28. Review status: criteria provided, single submitter. Criteria: ICSLVariantClassificationCriteria RUGD 01 April 2020. Collection method: clinical testing. Allele origin: unknown.
Comment: The PIEZO2 c.5053C>T (p.Arg1685Ter) variant is a stop-gained variant that has been reported in one study, in which it is found in a compound heterozygous state in two unrelated individuals with distal arthrogryposis with impaired proprioception and touch (Chesler et al. 2016). The patients presented with congenital hip dysplasia, finger contractures, foot deformities, and progressive scoliosis and had a history of hypotonia, delayed head control, shallow breathing, and delayed walking. Both patients also had selective loss of touch perception and proprioception, leading to ataxia and dysmetria. The p.Arg1685Ter is not found in the Genome Aggregation Database in a region of good sequence coverage, so the variant is presumed to be rare. In vitro functional studies showed that p.Arg1685Ter transfected cells had significantly reduced mechanically evoked current, and analysis of PIEZO2 RNA expression in patient cells implied the variant leads to nonsense-mediated decay (Chesler et al. 2016). Based on the collective evidence and application of the ACMG criteria, the p.Arg1685Ter variant is classified as pathogenic for distal arthrogryposis with impaired proprioception and touch.

New York Genome Center
Classification: Likely pathogenic for Arthrogryposis, distal, with impaired proprioception and touch. Last evaluated: 2020-07-03. Review status: criteria provided, single submitter. Criteria: NYGC Assertion Criteria 2020. Collection method: clinical testing. Allele origin: inherited. Observed: 1 heterozygote. Study: CSER-NYCKidSeq.

GeneDx
Classification: Likely pathogenic. Last evaluated: 2019-01-22. Review status: criteria provided, single submitter. Criteria: GeneDx Variant Classification (06012015). Collection method: clinical testing. Allele origin: germline. Affected: yes.
Comment: A nonsense variant that is likely pathogenic has been identified in the PIEZO2 gene. The R1685X variant has been previously reported in two unrelated individuals, each harboring a second PIEZO2 variant, with congenital hip dysplasia, finger contractures, foot deformities, severe progressive scoliosis, hypotonia, delayed walking, ataxia, selective loss of discriminative touch perception, and impaired fine motor skills (Chesler et al., 2016). Functional studies showed that R1685X transfected cells had channel currents above baseline noise only, compared to wild type, supporting loss of function (Chesler et al., 2016). The R1685X variant is not observed in large population cohorts (Lek et al., 2016). This variant is predicted to cause loss of normal protein function either through protein truncation or nonsense-mediated mRNA decay. Therefore, this variant is likely pathogenic; however, the possibility that it is benign cannot be excluded.

Clinical Genetics Service, Universitary Hospital 12 de Octubre
Classification: Pathogenic for Arthrogryposis, distal, with impaired proprioception and touch. Review status: criteria provided, single submitter. Criteria: ACMG Guidelines, 2015. Collection method: clinical testing. Allele origin: germline. Affected: yes.

OMIM
Classification: Pathogenic for ARTHROGRYPOSIS, DISTAL, WITH IMPAIRED PROPRIOCEPTION AND TOUCH. Last evaluated: 2018-09-11. Review status: no assertion criteria provided. Collection method: literature only. Allele origin: germline. Not counted in ClinVar's aggregate classification.

Literature cited by the submitters: PubMed 27653382 (cited by 5 submitters); PubMed 38843839 (cited by Ambry Genetics); PubMed 27843126 (cited by Labcorp Genetics (formerly Invitae), Labcorp).

NM_001378183.1(PIEZO2):c.5227C>T (p.Arg1743Ter)

Gene: PIEZO2 (piezo type mechanosensitive ion channel component 2; minus strand). Cytogenetic location: 18p11.22.
Variant type: single nucleotide variant.
Coding change: c.5227C>T on transcript NM_001378183.1 (MANE Select); coding-DNA position 5227, C replaced by T.
Protein change: p.Arg1743Ter; replaces arginine 1743 with a stop codon.
Molecular consequence: nonsense.
Genome position (GRCh38, 1-based): chr18:10,715,679, G>A on the plus strand (C>T on the coding strand, the complement: PIEZO2 is on the minus strand). VCF-style: chr18-10715679-G-A. GRCh37 (hg19) VCF-style: chr18-10715677-G-A.
Other names: c.5053C>T, p.Arg1685Ter (NM_022068.4); short protein forms R1685*, R1743*.
Identifiers: ClinVar variation 265867 (VCV000265867.18), dbSNP rs886039821, ClinGen allele CA10588850.